The following is an entry in ClinVar:

ClinVar aggregate classification (germline): Uncertain significance. Review status: criteria provided, multiple submitters, no conflicts (2 of 4 stars). 2 submissions from 2 submitters: Uncertain significance (2). Last evaluated 2024-03-07.

Conditions:
Pancytopenia-developmental delay syndrome. Also called: Bone marrow failure syndrome 2. Identifiers: Orphanet 401764, MedGen C3810350, MONDO:0014317, OMIM 615715.

Allele frequency attached by ClinVar (database versions not stated): gnomAD exomes below 0.00001; gnomAD 0.00003; TOPMed 0.00003.
gnomAD v4.1: 5 of 1,336,416 alleles (0.00037%); highest among the groups gnomAD compares: African/African-American, 0.0074%; no homozygotes.

Submissions (2):

Johns Hopkins Genomics, Johns Hopkins University
Classification: Uncertain significance for Pancytopenia-developmental delay syndrome. Last evaluated: 2024-03-07. Review status: criteria provided, single submitter. Criteria: ACMG Guidelines, 2015. Collection method: clinical testing. Allele origin: germline.
Comment: This ERCC6L2 missense variant (rs1392655397) is rare (<0.1%) in a large population dataset (gnomAD v4.0.0: 5/504956 total alleles; 0.001%; no homozygotes). It has been reported in ClinVar (Variation ID 1927352), but has not been reported in the literature, to our knowledge. Three computational tools predict that this variant results in abnormal splicing, although this has not been confirmed experimentally to our knowledge. We consider the clinical significance of c.3674G>C in ERCC6L2 to be uncertain at this time.

Labcorp Genetics (formerly Invitae), Labcorp
Classification: Uncertain significance. Last evaluated: 2022-08-19. Review status: criteria provided, single submitter. Criteria: Invitae Variant Classification Sherloc (09022015). Collection method: clinical testing. Allele origin: germline.
Comment: In summary, the available evidence is currently insufficient to determine the role of this variant in disease. Therefore, it has been classified as a Variant of Uncertain Significance. This variant has not been reported in the literature in individuals affected with ERCC6L2-related conditions. Algorithms developed to predict the effect of missense changes on protein structure and function are either unavailable or do not agree on the potential impact of this missense change (SIFT: "Deleterious"; PolyPhen-2: "Not Available"; Align-GVGD: "Class C0"). Variants that disrupt the consensus splice site are a relatively common cause of aberrant splicing (PMID: 17576681, 9536098). Algorithms developed to predict the effect of sequence changes on RNA splicing suggest that this variant may disrupt the consensus splice site. This variant is present in population databases (no rsID available, gnomAD 0.009%). This sequence change replaces arginine, which is basic and polar, with threonine, which is neutral and polar, at codon 1236 of the ERCC6L2 protein (p.Arg1236Thr). This variant also falls at the last nucleotide of exon 18, which is part of the consensus splice site for this exon.

Literature cited by the submitters: PubMed 36156210 (cited by Johns Hopkins Genomics, Johns Hopkins University); PubMed 36790458 (cited by Johns Hopkins Genomics, Johns Hopkins University); PubMed 17576681 (cited by Labcorp Genetics (formerly Invitae), Labcorp); PubMed 9536098 (cited by Labcorp Genetics (formerly Invitae), Labcorp).

NM_020207.7(ERCC6L2):c.3674G>C (p.Arg1225Thr)

Gene: ERCC6L2 (ERCC excision repair 6 like 2; plus strand). Cytogenetic location: 9q22.32.
Variant type: single nucleotide variant.
Coding change: c.3674G>C on transcript NM_020207.7 (MANE Select); coding-DNA position 3674, G replaced by C.
Protein change: p.Arg1225Thr; replaces arginine 1225 with threonine.
Molecular consequence: missense variant. On other transcripts: non-coding transcript variant (1).
Genome position (GRCh38, 1-based): chr9:96,004,701, G>C. VCF-style: chr9-96004701-G-C. GRCh37 (hg19) VCF-style: chr9-98766983-G-C.
Other names: c.3674G>C, p.Arg1225Thr (NM_001375291.1, NM_001375292.1); short protein forms R1225T.
Identifiers: ClinVar variation 1927352 (VCV001927352.6), dbSNP rs1392655397, ClinGen allele CA466117272.